The following is an entry in ClinVar:

NM_001352027.3(PHF21A):c.1461_1464del (p.Ile487fs)

Gene: PHF21A (PHD finger protein 21A; minus strand). Cytogenetic location: 11p11.2.
Variant type: Deletion.
Coding change: c.1461_1464del on transcript NM_001352027.3 (MANE Select); coding-DNA positions 1461 to 1464, 4 bases deleted (TCAT; older notation c.1461_1464delTCAT).
Protein change: p.Ile487fs; shifts the reading frame from isoleucine 487.
Molecular consequence: frameshift variant. On other transcripts: non-coding transcript variant (2), intron variant (1).
Genome position (GRCh38, 1-based): chr11:45,938,301-45,938,304, ATGA deleted on the plus strand (TCAT on the coding strand, the reverse complement: PHF21A is on the minus strand); deleting any 4 consecutive bases within chr11:45,938,301-45,938,306 gives the same sequence; the c. name uses the placement nearest the transcript's 3' end. VCF-style (leftmost placement, unchanged base first): chr11-45938300-CATGA-C. GRCh37 (hg19) VCF-style: chr11-45959851-CATGA-C.
Other names: c.1458_1461del, p.Ile486fs (NM_001101802.3); c.1461_1464del, p.Ile487fs (NM_001352025.3, NM_001352026.3, NM_001441170.1); c.1320_1323del, p.Ile440fs (NM_001352028.1, NM_001352029.1, NM_016621.5); c.1317_1320del, p.Ile439fs (NM_001352030.3, NM_001352031.3, NM_001352032.3); c.1482_1485del, p.Ile494fs (NM_001441167.1, NM_001441168.1); c.1479_1482del, p.Ile493fs (NM_001441169.1); c.1209_1212del, p.Ile403fs (NM_001441172.1); c.1450-1735_1450-1732del (NM_001441171.1); short protein forms I403fs, I439fs, I440fs, I486fs, I487fs, I493fs, I494fs.
Identifiers: ClinVar variation 4852652 (VCV004852652.2).
Genomic context (GRCh38, chr11:45,938,300, plus strand): 5'-GGGAACATGTGTCGCACATCAGTAACTGGCCACTTTTTCTGCAAACGCTGCAAAAATCCT[CATGA>C]ATATCACCCTATAAAGTTGAGAGGAAAGGTAAGAAAAAGGACAAAAAAGGTAAAATTTTA-3'

ClinVar aggregate classification (germline): Likely pathogenic (1 of 4 stars; one submission).

Submission:

Dasa
Classification: Likely pathogenic. Last evaluated: 2024-05-20. Review status: criteria provided, single submitter. Criteria: DASA Assertion Criteria. Collection method: clinical testing. Allele origin: germline.
Comment: NM_001352027.3(PHF21A):c.1461_1464del (p.Ile487Metfs*15) is a frameshift variant in PHF21A predicted to alter the reading frame and introduce a premature termination codon. Loss of function is an established disease mechanism for PHF21A (PMID: 30487643; PMID: 36555772; PMID: 36158052). Based on the currently available evidence, this variant is classified as likely pathogenic.

Literature cited by the submitters: PubMed 30487643; PubMed 36555772; PubMed 36158052.